The following is an entry in ClinVar:

ClinVar aggregate classification (germline): Uncertain significance (1 of 4 stars; one submission).

Submission:

Labcorp Genetics (formerly Invitae), Labcorp
Classification: Uncertain significance. Last evaluated: 2025-08-12. Review status: criteria provided, single submitter. Criteria: Invitae Variant Classification Sherloc (09022015). Collection method: clinical testing. Allele origin: germline.
Comment: This sequence change replaces lysine, which is basic and polar, with glutamic acid, which is acidic and polar, at codon 141 of the IL6ST protein (p.Lys141Glu). This variant is not present in population databases (gnomAD no frequency). This variant has not been reported in the literature in individuals affected with IL6ST-related conditions. An algorithm developed to predict the effect of missense changes on protein structure and function (PolyPhen-2) suggests that this variant is likely to be tolerated. Algorithms developed to predict the effect of sequence changes on RNA splicing suggest that this variant may disrupt the consensus splice site. In summary, the available evidence is currently insufficient to determine the role of this variant in disease. Therefore, it has been classified as a Variant of Uncertain Significance.

NM_002184.4(IL6ST):c.421A>G (p.Lys141Glu)

Gene: IL6ST (interleukin 6 cytokine family signal transducer; minus strand). Cytogenetic location: 5q11.2.
Variant type: single nucleotide variant.
Coding change: c.421A>G on transcript NM_002184.4 (MANE Select); coding-DNA position 421, A replaced by G.
Protein change: p.Lys141Glu; replaces lysine 141 with glutamic acid.
Molecular consequence: missense variant. On other transcripts: non-coding transcript variant (2), intron variant (3).
Genome position (GRCh38, 1-based): chr5:55,968,346, T>C on the plus strand (A>G on the coding strand, the complement: IL6ST is on the minus strand). VCF-style: chr5-55968346-T-C. GRCh37 (hg19) VCF-style: chr5-55264174-T-C.
Other names: c.421A>G, p.Lys141Glu (NM_001190981.2, NM_001364275.2, NM_175767.3); c.211A>G, p.Lys71Glu (NM_001364276.2); c.-423+1204A>G (NM_001364279.2, NM_001364277.2); c.-413+1204A>G (NM_001364278.2); short protein forms K141E, K71E.
Identifiers: ClinVar variation 4739780 (VCV004739780.1).
Genomic context (GRCh38, chr5:55,968,346, plus strand): 5'-TTAAAGTGAAGTTTGTCTCCAAGTGTGTTTCCCTTCCACCATCCCACTCACACCTCATTT[T>C]CTTCCCCTCGTTCACAATGCAACTCAAATTTTTAGGTTTTTCTGGAGGCACTAAAAGGGA-3'
Protein context (NP_002175.2, residues 131-151): NLSCIVNEGK[Lys141Glu]MRCEWDGGRE